The following is an entry in ClinVar:

NM_004656.4(BAP1):c.189_198del (p.Thr64fs)

Gene: BAP1 (BRCA1 associated deubiquitinase 1; minus strand). Cytogenetic location: 3p21.1.
Variant type: Deletion.
Coding change: c.189_198del on transcript NM_004656.4 (MANE Select); coding-DNA positions 189 to 198, 10 bases deleted (TACCTTGGTG; older notation c.189_198delTACCTTGGTG).
Protein change: p.Thr64fs; shifts the reading frame from threonine 64.
Molecular consequence: frameshift variant.
Genome position (GRCh38, 1-based): chr3:52,408,531-52,408,540, CACCAAGGTA deleted on the plus strand (TACCTTGGTG on the coding strand, the reverse complement: BAP1 is on the minus strand). VCF-style (leftmost placement, unchanged base first): chr3-52408530-CCACCAAGGTA-C. GRCh37 (hg19) VCF-style: chr3-52442546-CCACCAAGGTA-C.
Other names: c.189_198del, p.Thr64fs (NM_001410772.1); short protein forms T64fs.
Identifiers: ClinVar variation 2817245 (VCV002817245.3), dbSNP rs2471357710, ClinGen allele CA2739279195.
Genomic context (GRCh38, chr3:52,408,530, plus strand): 5'-AGACCTGGTGGGCAAAGAACATGTTATTCACAATATCATCATCAATCACGGACGTATCAT[CCACCAAGGTA>C]GAGACCTTTCGCCGGGACCGGCGCTCTTCGATCCATTTGAACAGGAAGATAAATCCATAT-3'

ClinVar aggregate classification (germline): Pathogenic (1 of 4 stars; one submission).

Conditions:
BAP1-related tumor predisposition syndrome (TPDS1). Also called: Tumor susceptibility linked to germline BAP1 mutations; TUMOR PREDISPOSITION SYNDROME 1; BAP1 tumor predisposition syndrome; COMMON Syndrome. Identifiers: Orphanet 289539, MedGen C3280492, MONDO:0013692, OMIM 614327.

Submission:

Labcorp Genetics (formerly Invitae), Labcorp
Classification: Pathogenic for BAP1-related tumor predisposition syndrome. Last evaluated: 2022-11-29. Review status: criteria provided, single submitter. Criteria: Invitae Variant Classification Sherloc (09022015). Collection method: clinical testing. Allele origin: germline.
Comment: For these reasons, this variant has been classified as Pathogenic. This variant has not been reported in the literature in individuals affected with BAP1-related conditions. This variant is not present in population databases (gnomAD no frequency). This sequence change creates a premature translational stop signal (p.Thr64Metfs*5) in the BAP1 gene. It is expected to result in an absent or disrupted protein product. Loss-of-function variants in BAP1 are known to be pathogenic (PMID: 21874000, 23684012).

Literature cited by the submitters: PubMed 21874000; PubMed 23684012.